The following is an entry in ClinVar:

ClinVar aggregate classification (germline): Uncertain significance (1 of 4 stars; one submission).

Conditions:
Hereditary cancer-predisposing syndrome. Also called: Neoplastic Syndromes, Hereditary; Tumor predisposition; Hereditary Cancer Syndrome; Hereditary neoplastic syndrome. Identifiers: Orphanet 140162, MedGen C0027672, MeSH D009386, MONDO:0015356.

Submission:

Ambry Genetics
Classification: Uncertain significance for Hereditary cancer-predisposing syndrome. Last evaluated: 2024-07-24. Review status: criteria provided, single submitter. Criteria: Ambry Variant Classification Scheme 2023. Collection method: clinical testing. Allele origin: germline.
Comment: The c.4729_4731delGAA variant (also known as p.E1577del) is located in coding exon 15 of the APC gene. This variant results from an in-frame GAA deletion at nucleotide positions 4729 to 4731. This results in the in-frame deletion of a glutamic acid at codon 1577. This amino acid position is well conserved in available vertebrate species. In addition, this alteration is predicted to be deleterious by in silico analysis (Choi Y et al. PLoS ONE. 2012; 7(10):e46688). Based on the available evidence, the clinical significance of this variant remains unclear.

NM_000038.6(APC):c.4726GAA[1] (p.Glu1577del)

Gene: APC (APC regulator of Wnt signaling pathway; plus strand). Cytogenetic location: 5q22.2.
Variant type: Microsatellite.
Coding change: c.4726GAA[1] on transcript NM_000038.6 (MANE Select); one copy of the 3-base unit GAA starting at c.4726; the reference has two copies in a row; one copy, 3 bases deleted.
Protein change: p.Glu1577del; deletes glutamic acid 1577.
Molecular consequence: non-coding transcript variant (on NR_176365.1).
Genome position (GRCh38, 1-based): chr5:112,840,323-112,840,325, GAA deleted; deleting any 3 consecutive bases within chr5:112,840,319-112,840,325 gives the same sequence; the position shown is the placement nearest the transcript's 3' end. VCF-style (leftmost placement, unchanged base first): chr5-112840318-TAGA-T. GRCh37 (hg19) VCF-style: chr5-112176015-TAGA-T.
Other names: c.4726GAA[1], p.Glu1577del (NM_001127510.3, NM_001354895.2, NM_001407450.1); c.4672GAA[1], p.Glu1559del (NM_001127511.3); c.4780GAA[1], p.Glu1595del (NM_001354896.2, NM_001407447.1, NM_001407448.1 and 1 more transcripts); c.4756GAA[1], p.Glu1587del (NM_001354897.2); c.4651GAA[1], p.Glu1552del (NM_001354898.2); c.4642GAA[1], p.Glu1549del (NM_001354899.2); c.4603GAA[1], p.Glu1536del (NM_001354900.2); c.4549GAA[1], p.Glu1518del (NM_001354901.2, NM_001407453.1); and 11 more; short protein forms E1448del, E1494del, E1536del, E1567del, E1577del, E1294del, E1417del, E1451del.
Identifiers: ClinVar variation 3409556 (VCV003409556.1).